The following is an entry in ClinVar:

NM_139318.5(KCNH5):c.1257C>T (p.Tyr419=)

Gene: KCNH5 (potassium voltage-gated channel subfamily H member 5; minus strand). Cytogenetic location: 14q23.2.
Variant type: single nucleotide variant.
Coding change: c.1257C>T on transcript NM_139318.5 (MANE Select); coding-DNA position 1257, C replaced by T.
Protein change: p.Tyr419=; no amino-acid change (tyrosine 419 retained).
Molecular consequence: synonymous variant.
Genome position (GRCh38, 1-based): chr14:62,950,245, G>A on the plus strand (C>T on the coding strand, the complement: KCNH5 is on the minus strand). VCF-style: chr14-62950245-G-A. GRCh37 (hg19) VCF-style: chr14-63416963-G-A.
Other names: c.1257C>T, p.Tyr419= (NM_172375.3).
Identifiers: ClinVar variation 696576 (VCV000696576.11), dbSNP rs372290413, ClinGen allele CA7217508.

ClinVar aggregate classification (germline): Likely benign. Review status: criteria provided, single submitter (1 of 4 stars). 2 submissions from 2 submitters: Likely benign (1). 1 of the submissions does not count toward it. Last evaluated 2025-11-27.

Conditions:
Early-infantile DEE. Also called: Early infantile epileptic encephalopathy with suppression bursts; Ohtahara syndrome; Early infantile epileptic encephalopathy. Identifiers: Orphanet 1934, MedGen C0393706, MONDO:0800491.
KCNH5-related disorder. Also called: KCNH5-related condition.

Allele frequency attached by ClinVar (database versions not stated): gnomAD 0.00007 and 0.00008; TOPMed 0.00007; ESP Exome Variant Server 0.00008; gnomAD exomes 0.00011 and 0.00015; ExAC 0.00013.
gnomAD v4.1: 234 of 1,613,764 alleles (0.015%); highest among the groups gnomAD compares: Non-Finnish European, 0.018%; no homozygotes.

Submissions (2):

Labcorp Genetics (formerly Invitae), Labcorp
Classification: Likely benign for Early-infantile DEE. Last evaluated: 2025-11-27. Review status: criteria provided, single submitter. Criteria: Invitae Variant Classification Sherloc (09022015). Collection method: clinical testing. Allele origin: germline.

PreventionGenetics, part of Exact Sciences
Classification: Likely benign for KCNH5-related condition. Last evaluated: 2024-07-11. Review status: no assertion criteria provided. Collection method: clinical testing. Allele origin: germline. Not counted in ClinVar's aggregate classification.
Comment: This variant is classified as likely benign based on ACMG/AMP sequence variant interpretation guidelines (Richards et al. 2015 PMID: 25741868, with internal and published modifications).